The following is an entry in ClinVar:

NM_001035.3(RYR2):c.4718G>A (p.Ser1573Asn)

Gene: RYR2 (ryanodine receptor 2; plus strand). Cytogenetic location: 1q43.
Variant type: single nucleotide variant.
Coding change: c.4718G>A on transcript NM_001035.3 (MANE Select); coding-DNA position 4718, G replaced by A.
Protein change: p.Ser1573Asn; replaces serine 1573 with asparagine.
Molecular consequence: missense variant.
Genome position (GRCh38, 1-based): chr1:237,610,796, G>A. VCF-style: chr1-237610796-G-A. GRCh37 (hg19) VCF-style: chr1-237774096-G-A.
Other names: short protein forms S1573N.
Identifiers: ClinVar variation 924705 (VCV000924705.14), dbSNP rs776893934, ClinGen allele CA086715.

ClinVar aggregate classification (germline): Uncertain significance. Review status: criteria provided, multiple submitters, no conflicts (2 of 4 stars). 2 submissions from 2 submitters: Uncertain significance (2). Last evaluated 2025-03-17.

Conditions:
Catecholaminergic polymorphic ventricular tachycardia 1. Also called: VENTRICULAR TACHYCARDIA, CATECHOLAMINERGIC POLYMORPHIC, 1, WITH OR WITHOUT ATRIAL DYSFUNCTION AND/OR DILATED CARDIOMYOPATHY; RYR2-Related Catecholaminergic Polymorphic Ventricular Tachycardia; VENTRICULAR TACHYCARDIA, STRESS-INDUCED POLYMORPHIC 1. Identifiers: Orphanet 3286, MedGen C1631597, MONDO:0011484, OMIM 604772.
Cardiomyopathy (CMYO). Also called: Cardiomyopathies. Identifiers: Orphanet 167848, MedGen C0878544, MONDO:0004994, HP:0001638. Inheritance: Various modes of inheritance.

Allele frequency attached by ClinVar (database versions not stated): gnomAD exomes below 0.00001; ExAC 0.00001.
gnomAD v4.1: 1 of 1,609,564 alleles (0.000062%); highest among the groups gnomAD compares: Non-Finnish European, 0.000085%; no homozygotes.

Submissions (2):

Labcorp Genetics (formerly Invitae), Labcorp
Classification: Uncertain significance for Catecholaminergic polymorphic ventricular tachycardia 1. Last evaluated: 2025-03-17. Review status: criteria provided, single submitter. Criteria: Invitae Variant Classification Sherloc (09022015). Collection method: clinical testing. Allele origin: germline.
Comment: This sequence change replaces serine, which is neutral and polar, with asparagine, which is neutral and polar, at codon 1573 of the RYR2 protein (p.Ser1573Asn). This variant is present in population databases (rs776893934, gnomAD 0.0009%). This variant has not been reported in the literature in individuals affected with RYR2-related conditions. ClinVar contains an entry for this variant (Variation ID: 924705). Invitae Evidence Modeling of protein sequence and biophysical properties (such as structural, functional, and spatial information, amino acid conservation, physicochemical variation, residue mobility, and thermodynamic stability) indicates that this missense variant is expected to disrupt RYR2 protein function with a positive predictive value of 95%. In summary, the available evidence is currently insufficient to determine the role of this variant in disease. Therefore, it has been classified as a Variant of Uncertain Significance.

Color Diagnostics, LLC DBA Color Health
Classification: Uncertain significance for Cardiomyopathy. Last evaluated: 2024-03-06. Review status: criteria provided, single submitter. Criteria: ACMG Guidelines, 2015. Collection method: clinical testing. Allele origin: germline.
Comment: This missense variant replaces serine with asparagine at codon 1573 of the RYR2 protein. Computational prediction is inconclusive regarding the impact of this variant on protein structure and function (internally defined REVEL score threshold 0.5 < inconclusive < 0.7, PMID: 27666373). Splice site prediction tools suggest that this variant may not impact RNA splicing. To our knowledge, functional studies have not been performed for this variant. This variant has not been reported in individuals affected with cardiovascular disorders in the literature. This variant has been identified in 1/242282 chromosomes in the general population by the Genome Aggregation Database (gnomAD). The available evidence is insufficient to determine the role of this variant in disease conclusively. Therefore, this variant is classified as a Variant of Uncertain Significance.